The following is an entry in ClinVar:

ClinVar aggregate classification (germline): Uncertain significance (1 of 4 stars; one submission).

Allele frequency attached by ClinVar (database versions not stated): gnomAD exomes below 0.00001.
gnomAD v4.1: 6 of 1,603,364 alleles (0.00037%); highest among the groups gnomAD compares: Non-Finnish European, 0.00051%; no homozygotes.

Submission:

Labcorp Genetics (formerly Invitae), Labcorp
Classification: Uncertain significance. Last evaluated: 2025-02-23. Review status: criteria provided, single submitter. Criteria: Invitae Variant Classification Sherloc (09022015). Collection method: clinical testing. Allele origin: germline.
Comment: This sequence change replaces histidine, which is basic and polar, with proline, which is neutral and non-polar, at codon 973 of the NOTCH3 protein (p.His973Pro). This variant is not present in population databases (gnomAD no frequency). This variant has not been reported in the literature in individuals affected with NOTCH3-related conditions. ClinVar contains an entry for this variant (Variation ID: 2722995). Invitae Evidence Modeling of protein sequence and biophysical properties (such as structural, functional, and spatial information, amino acid conservation, physicochemical variation, residue mobility, and thermodynamic stability) indicates that this missense variant is not expected to disrupt NOTCH3 protein function with a negative predictive value of 95%. In summary, the available evidence is currently insufficient to determine the role of this variant in disease. Therefore, it has been classified as a Variant of Uncertain Significance.

NM_000435.3(NOTCH3):c.2918A>C (p.His973Pro)

Gene: NOTCH3 (notch receptor 3; minus strand). Cytogenetic location: 19p13.12.
Variant type: single nucleotide variant.
Coding change: c.2918A>C on transcript NM_000435.3 (MANE Select); coding-DNA position 2918, A replaced by C.
Protein change: p.His973Pro; replaces histidine 973 with proline.
Molecular consequence: missense variant.
Genome position (GRCh38, 1-based): chr19:15,181,037, T>G on the plus strand (A>C on the coding strand, the complement: NOTCH3 is on the minus strand). VCF-style: chr19-15181037-T-G. GRCh37 (hg19) VCF-style: chr19-15291848-T-G.
Other names: short protein forms H973P.
Identifiers: ClinVar variation 2722995 (VCV002722995.3), dbSNP rs1419024906, ClinGen allele CA404514750.